The following is an entry in ClinVar:

ClinVar aggregate classification (germline): Uncertain significance (1 of 4 stars; one submission).

Submission:

Labcorp Genetics (formerly Invitae), Labcorp
Classification: Uncertain significance. Last evaluated: 2020-12-18. Review status: criteria provided, single submitter. Criteria: Invitae Variant Classification Sherloc (09022015). Collection method: clinical testing. Allele origin: germline.
Comment: This sequence change replaces valine with leucine at codon 1816 of the USH2A protein (p.Val1816Leu). The valine residue is moderately conserved and there is a small physicochemical difference between valine and leucine. In summary, the available evidence is currently insufficient to determine the role of this variant in disease. Therefore, it has been classified as a Variant of Uncertain Significance. Algorithms developed to predict the effect of missense changes on protein structure and function output the following: SIFT: "Tolerated"; PolyPhen-2: "Benign"; Align-GVGD: "Class C0". The leucine amino acid residue is found in multiple mammalian species, suggesting that this missense change does not adversely affect protein function. These predictions have not been confirmed by published functional studies and their clinical significance is uncertain. This variant has not been reported in the literature in individuals with USH2A-related conditions. This variant is not present in population databases (ExAC no frequency).

NM_206933.4(USH2A):c.5446G>T (p.Val1816Leu)

Genes: USH2A (usherin; minus strand), USH2A-AS2 (USH2A antisense RNA 2; plus strand). Cytogenetic location: 1q41.
Variant type: single nucleotide variant.
Coding change: c.5446G>T on transcript NM_206933.4 (MANE Select); coding-DNA position 5446, G replaced by T.
Protein change: p.Val1816Leu; replaces valine 1816 with leucine.
Molecular consequence: missense variant.
Genome position (GRCh38, 1-based): chr1:216,078,215, C>A on the plus strand (G>T on the coding strand, the complement: USH2A is on the minus strand). VCF-style: chr1-216078215-C-A. GRCh37 (hg19) VCF-style: chr1-216251557-C-A.
Other names: short protein forms V1816L.
Identifiers: ClinVar variation 1020363 (VCV001020363.6), dbSNP rs2031819704, ClinGen allele CA344856140.
Genomic context (GRCh38, chr1:216,078,215, plus strand): 5'-GTGAATTCACCACCAGTGGCTGGTCTCCGGACTCCGATGCATGCTTCATCAGTCCATTCA[C>A]ACTTGCTGATATGAAAGAGCCTTCCTTTTTAATAATGACTTTATTCCACTTTCCATTACA-3'
Protein context (NP_996816.3, residues 1806-1826): KKEGSFISAS[Val1816Leu]NGLMKHASES